The following is an entry in ClinVar:

NM_004614.5(TK2):c.335_336dup (p.Val113fs)

Gene: TK2 (thymidine kinase 2; minus strand). Cytogenetic location: 16q21.
Variant type: Duplication.
Coding change: c.335_336dup on transcript NM_004614.5 (MANE Select); coding-DNA positions 335 to 336, 2 bases duplicated (AT; older notation c.335_336dupAT).
Protein change: p.Val113fs; shifts the reading frame from valine 113.
Molecular consequence: frameshift variant. On other transcripts: non-coding transcript variant (1).
Genome position (GRCh38, 1-based): chr16:66,531,419-66,531,420, AT duplicated on the plus strand (AT on the coding strand, the reverse complement: TK2 is on the minus strand); duplicating any 2 consecutive bases within chr16:66,531,419-66,531,421 gives the same sequence; the c. name uses the placement nearest the transcript's 3' end. VCF-style (leftmost placement, unchanged base first): chr16-66531418-C-CAT. GRCh37 (hg19) VCF-style: chr16-66565321-C-CAT.
Other names: c.335_336dup (NM_004614.4); c.242_243dup, p.Val82fs (NM_001172643.1, NM_001271935.1); c.260_261dup, p.Val88fs (NM_001172644.2); c.281_282dup, p.Val95fs (NM_001172645.2); c.188_189dup, p.Val64fs (NM_001271934.2); c.44_45dup, p.Val16fs (NM_001272050.2); short protein forms V113fs, V16fs, V82fs, V95fs, V64fs, V88fs.
Identifiers: ClinVar variation 3778866 (VCV003778866.2), dbSNP rs281865506.

ClinVar aggregate classification (germline): Pathogenic (1 of 4 stars; one submission).

Conditions:
Mitochondrial disease. Also called: Mitochondrial disorders; Mitochondrial disorder. Identifiers: Orphanet 68380, MedGen C0751651, MeSH D028361, MONDO:0044970.

Submission:

Genomenon, Inc
Classification: Pathogenic for Mitochondrial disease. Last evaluated: 2025-11-24. Review status: criteria provided, single submitter. Criteria: Genomenon Sequence Variant Interpretation Standards - Updated. Collection method: curation. Allele origin: germline. Affected: yes.
Comment: TK2 p.Val113MetfsTer20 (c.335_336dup) is a frameshift variant that results in the production of a truncated protein which is predicted to have a deleterious effect on TK2 gene function. This variant has been observed in multiple probands affected with mitochondrial disease in the compound heterozygous state (16908738, 23932787). This variant is not present at a significant frequency in gnomAD. In conclusion, we classify TK2 p.Val113MetfsTer20 (c.335_336dup) as a pathogenic variant.

Literature cited by the submitters: PubMed 16908738; PubMed 23932787.